The following is an entry in ClinVar:

ClinVar aggregate classification (germline): Pathogenic. Review status: criteria provided, single submitter (1 of 4 stars). 2 submissions from 2 submitters: Pathogenic (1). 1 of the submissions does not count toward it. Last evaluated 2020-02-27.

Conditions:
Bifunctional peroxisomal enzyme deficiency (DBIF). Also called: PBFE DEFICIENCY; DBP DEFICIENCY; D-bifunctional protein deficiency. Identifiers: Orphanet 300, MedGen C0342870, MONDO:0009855, OMIM 261515. Disease mechanism: loss of function.
Perrault syndrome. Also called: Gonadal dysgenesis with auditory dysfunction, autosomal recessive inheritance. Identifiers: Orphanet 2855, MedGen C0685838, MONDO:0017312.

Submissions (2):

Labcorp Genetics (formerly Invitae), Labcorp
Classification: Pathogenic for Perrault syndrome; Bifunctional peroxisomal enzyme deficiency. Last evaluated: 2020-02-27. Review status: criteria provided, single submitter. Criteria: Invitae Variant Classification Sherloc (09022015). Collection method: clinical testing. Allele origin: germline.
Comment: This sequence change creates a premature translational stop signal (p.Arg583Asnfs*31) in the HSD17B4 gene. It is expected to result in an absent or disrupted protein product. This variant is not present in population databases (ExAC no frequency). This variant has not been reported in the literature in individuals with HSD17B4-related conditions. ClinVar contains an entry for this variant (Variation ID: 554583). Loss-of-function variants in HSD17B4 are known to be pathogenic (PMID: 11810648, 16385454). For these reasons, this variant has been classified as Pathogenic.

Counsyl
Classification: Likely pathogenic for Bifunctional peroxisomal enzyme deficiency. Last evaluated: 2017-10-26. Review status: no assertion criteria provided. Collection method: clinical testing. Allele origin: unknown. Not counted in ClinVar's aggregate classification.

Literature cited by the submitters: PubMed 11810648 (cited by Labcorp Genetics (formerly Invitae), Labcorp); PubMed 16385454 (cited by Labcorp Genetics (formerly Invitae), Labcorp).

NM_000414.4(HSD17B4):c.1748_1749del (p.Arg583fs)

Gene: HSD17B4 (hydroxysteroid 17-beta dehydrogenase 4; plus strand). Cytogenetic location: 5q23.1.
Variant type: Deletion.
Coding change: c.1748_1749del on transcript NM_000414.4 (MANE Select); coding-DNA positions 1748 to 1749, 2 bases deleted (GA; older notation c.1748_1749delGA).
Protein change: p.Arg583fs; shifts the reading frame from arginine 583.
Molecular consequence: frameshift variant.
Genome position (GRCh38, 1-based): chr5:119,527,200-119,527,201, GA deleted; deleting any 2 consecutive bases within chr5:119,527,199-119,527,201 gives the same sequence; the c. name uses the placement nearest the transcript's 3' end. VCF-style (leftmost placement, unchanged base first): chr5-119527198-CAG-C. GRCh37 (hg19) VCF-style: chr5-118862893-CAG-C.
Other names: c.1823_1824del, p.Arg608fs (NM_001199291.3); c.1694_1695del, p.Arg565fs (NM_001199292.2); c.1676_1677del, p.Arg559fs (NM_001292027.2); c.1328_1329del, p.Arg443fs (NM_001292028.2); short protein forms R608fs, R443fs, R559fs, R583fs, R565fs.
Identifiers: ClinVar variation 554583 (VCV000554583.8), dbSNP rs1554068426, ClinGen allele CA658822131.